The following is an entry in ClinVar:

NM_025144.4(ALPK1):c.3028G>C (p.Ala1010Pro)

Gene: ALPK1 (alpha kinase 1; plus strand). Cytogenetic location: 4q25.
Variant type: single nucleotide variant.
Coding change: c.3028G>C on transcript NM_025144.4 (MANE Select); coding-DNA position 3028, G replaced by C.
Protein change: p.Ala1010Pro; replaces alanine 1010 with proline.
Molecular consequence: missense variant.
Genome position (GRCh38, 1-based): chr4:112,432,575, G>C. VCF-style: chr4-112432575-G-C. GRCh37 (hg19) VCF-style: chr4-113353731-G-C.
Other names: c.3028G>C, p.Ala1010Pro (NM_001102406.2); c.2794G>C, p.Ala932Pro (NM_001253884.2); short protein forms A1010P, A932P.
Identifiers: ClinVar variation 4781475 (VCV004781475.1).

ClinVar aggregate classification (germline): Uncertain significance (1 of 4 stars; one submission).

gnomAD v4.1: 5 of 1,611,296 alleles (0.00031%); highest among the groups gnomAD compares: Non-Finnish European, 0.00042%; no homozygotes.

Submission:

Labcorp Genetics (formerly Invitae), Labcorp
Classification: Uncertain significance. Last evaluated: 2025-02-23. Review status: criteria provided, single submitter. Criteria: Invitae Variant Classification Sherloc (09022015). Collection method: clinical testing. Allele origin: germline.
Comment: This sequence change replaces alanine, which is neutral and non-polar, with proline, which is neutral and non-polar, at codon 1010 of the ALPK1 protein (p.Ala1010Pro). This variant is not present in population databases (gnomAD no frequency). This variant has not been reported in the literature in individuals affected with ALPK1-related conditions. Invitae Evidence Modeling of protein sequence and biophysical properties (such as structural, functional, and spatial information, amino acid conservation, physicochemical variation, residue mobility, and thermodynamic stability) indicates that this missense variant is expected to disrupt ALPK1 protein function with a positive predictive value of 80%. In summary, the available evidence is currently insufficient to determine the role of this variant in disease. Therefore, it has been classified as a Variant of Uncertain Significance.